The following is an entry in ClinVar:

ClinVar aggregate classification (germline): Pathogenic (1 of 4 stars; one submission).

Conditions:
Autosomal dominant epilepsy with auditory features. Identifiers: Orphanet 101046, MedGen C1838062, MONDO:0010898.

Submission:

Labcorp Genetics (formerly Invitae), Labcorp
Classification: Pathogenic for Autosomal dominant epilepsy with auditory features. Last evaluated: 2020-06-22. Review status: criteria provided, single submitter. Criteria: Invitae Variant Classification Sherloc (09022015). Collection method: clinical testing. Allele origin: germline.
Comment: This sequence change creates a premature translational stop signal (p.Asn149Ilefs*16) in the LGI1 gene. It is expected to result in an absent or disrupted protein product. This variant is not present in population databases (ExAC no frequency). This variant has not been reported in the literature in individuals with LGI1-related conditions. Loss-of-function variants in LGI1 are known to be pathogenic (PMID: 24206907). For these reasons, this variant has been classified as Pathogenic.

Literature cited by the submitters: PubMed 24206907.

NM_005097.4(LGI1):c.446_449del (p.Asn149fs)

Gene: LGI1 (leucine rich glioma inactivated 1; plus strand). Cytogenetic location: 10q23.33.
Variant type: Deletion.
Coding change: c.446_449del on transcript NM_005097.4 (MANE Select); coding-DNA positions 446 to 449, 4 bases deleted (ACAA; older notation c.446_449delACAA).
Protein change: p.Asn149fs; shifts the reading frame from asparagine 149.
Molecular consequence: frameshift variant. On other transcripts: non-coding transcript variant (1).
Genome position (GRCh38, 1-based): chr10:93,790,113-93,790,116, ACAA deleted; deleting any 4 consecutive bases within chr10:93,790,112-93,790,116 gives the same sequence; the c. name uses the placement nearest the transcript's 3' end. VCF-style (leftmost placement, unchanged base first): chr10-93790111-CAACA-C. GRCh37 (hg19) VCF-style: chr10-95549868-CAACA-C.
Other names: c.446_449del, p.Asn149fs (NM_001308275.2); c.302_305del, p.Asn101fs (NM_001308276.2); short protein forms N101fs, N149fs.
Identifiers: ClinVar variation 1069952 (VCV001069952.8), dbSNP rs2134017952, ClinGen allele CA2499220508.